The following is an entry in ClinVar:

NM_000051.4(ATM):c.5649C>T (p.Ser1883=)

Gene: ATM (ATM serine/threonine kinase; plus strand). Cytogenetic location: 11q22.3.
Variant type: single nucleotide variant.
Coding change: c.5649C>T on transcript NM_000051.4 (MANE Select); coding-DNA position 5649, C replaced by T.
Protein change: p.Ser1883=; no amino-acid change (serine 1883 retained).
Molecular consequence: synonymous variant.
Genome position (GRCh38, 1-based): chr11:108,304,827, C>T. VCF-style: chr11-108304827-C-T. GRCh37 (hg19) VCF-style: chr11-108175554-C-T.
Other names: c.5649C>T, p.Ser1883= (NM_001351834.2).
Identifiers: ClinVar variation 387185 (VCV000387185.23), dbSNP rs1057522721, ClinGen allele CA16606197.
Genomic context (GRCh38, chr11:108,304,827, plus strand): 5'-TACACATGTTCAGGGATTTTTCACCAGCTGTCTTCGACACTTCTCGCAAACGAGCCGATC[C>T]ACAACCCCTGCAAACTTGGATTCAGGTATTCTATTAAATTTTTAACATTAATACTGTAAA-3'
Protein context (NP_000042.3, residues 1873-1893): CLRHFSQTSR[Ser1883=]TTPANLDSES

ClinVar aggregate classification (germline): Benign/Likely benign. Review status: criteria provided, multiple submitters, no conflicts (2 of 4 stars). 8 submissions from 8 submitters: Benign (1); Likely benign (6). 1 of the submissions does not count toward it. Last evaluated 2026-01-26.

Conditions:
Ataxia-telangiectasia syndrome (AT). Also called: AT, COMPLEMENTATION GROUP C; ATAXIA-TELANGIECTASIA, COMPLEMENTATION GROUP A; ATAXIA-TELANGIECTASIA, FRESNO VARIANT; LOUIS-BAR SYNDROME; Ataxia-telangiectasia; Cerebello-oculocutaneous telangiectasia. Identifiers: Orphanet 100, MedGen C0004135, MONDO:0008840, OMIM 208900.
Hereditary cancer-predisposing syndrome. Also called: Neoplastic Syndromes, Hereditary; Hereditary neoplastic syndrome; Tumor predisposition; Hereditary Cancer Syndrome. Identifiers: Orphanet 140162, MedGen C0027672, MeSH D009386, MONDO:0015356.
Familial cancer of breast. Also called: BREAST CANCER, FAMILIAL; hereditary breast carcinoma; Hereditary breast cancer. Identifiers: Orphanet 227535, MedGen C0346153, MONDO:0016419, OMIM 114480. Disease mechanism: loss of function.

Allele frequency attached by ClinVar (database versions not stated): TOPMed below 0.00001; gnomAD exomes 0.00001 and 0.00002.
gnomAD v4.1: 4 of 1,614,052 alleles (0.00025%); highest among the groups gnomAD compares: Admixed American, 0.005%; no homozygotes.

Submissions (8):

Labcorp Genetics (formerly Invitae), Labcorp
Classification: Likely benign for Ataxia-telangiectasia syndrome. Last evaluated: 2026-01-26. Review status: criteria provided, single submitter. Criteria: Invitae Variant Classification Sherloc (09022015). Collection method: clinical testing. Allele origin: germline.

Women's Health and Genetics/Laboratory Corporation of America, LabCorp
Classification: Likely benign. Last evaluated: 2025-01-25. Review status: criteria provided, single submitter. Criteria: LabCorp Variant Classification Summary - May 2015. Collection method: clinical testing. Allele origin: germline.

Quest Diagnostics Nichols Institute San Juan Capistrano
Classification: Likely benign. Last evaluated: 2025-01-24. Review status: criteria provided, single submitter. Criteria: Quest Diagnostics criteria. Collection method: clinical testing. Allele origin: unknown.

Myriad Genetics, Inc.
Classification: Benign for Familial cancer of breast. Last evaluated: 2024-05-23. Review status: criteria provided, single submitter. Criteria: Myriad Autosomal Dominant, Autosomal Recessive and X-Linked Classification Criteria (2023). Collection method: clinical testing. Allele origin: unknown.
Comment: This variant is considered benign. This variant is a silent/synonymous amino acid change and it is not expected to impact splicing.

GeneDx
Classification: Likely benign. Last evaluated: 2019-09-17. Review status: criteria provided, single submitter. Criteria: GeneDx Variant Classification Process June 2021. Collection method: clinical testing. Allele origin: germline. Affected: yes.

Color Diagnostics, LLC DBA Color Health
Classification: Likely benign for Hereditary cancer-predisposing syndrome. Last evaluated: 2018-12-04. Review status: criteria provided, single submitter. Criteria: ACMG Guidelines, 2015. Collection method: clinical testing. Allele origin: germline.

Ambry Genetics
Classification: Likely benign for Hereditary cancer-predisposing syndrome. Last evaluated: 2017-01-20. Review status: criteria provided, single submitter. Criteria: Ambry Variant Classification Scheme 2023. Collection method: clinical testing. Allele origin: germline.

Institute for Biomarker Research, Medical Diagnostic Laboratories, L.L.C.
Classification: Likely benign for Hereditary cancer-predisposing syndrome. Last evaluated: 2021-09-15. Review status: no assertion criteria provided. Collection method: clinical testing. Allele origin: germline. Not counted in ClinVar's aggregate classification.